The following is an entry in ClinVar:

NM_024649.5(BBS1):c.966G>A (p.Trp322Ter)

Genes: BBS1 (Bardet-Biedl syndrome 1; plus strand), ZDHHC24 (zDHHC palmitoyltransferase 24; minus strand). Cytogenetic location: 11q13.2.
Variant type: single nucleotide variant.
Coding change: c.966G>A on transcript NM_024649.5 (MANE Select); coding-DNA position 966, G replaced by A.
Protein change: p.Trp322Ter; replaces tryptophan 322 with a stop codon.
Molecular consequence: nonsense. On other transcripts: intron variant (1).
Genome position (GRCh38, 1-based): chr11:66,523,738, G>A. VCF-style: chr11-66523738-G-A. GRCh37 (hg19) VCF-style: chr11-66291209-G-A.
Other names: c.*22-2272C>T (NM_001348571.2); short protein forms W322*.
Identifiers: ClinVar variation 1724231 (VCV001724231.2), dbSNP rs2495779138, ClinGen allele CA381462042.

ClinVar aggregate classification (germline): Likely pathogenic (1 of 4 stars; one submission).

Conditions:
Bardet-Biedl syndrome 1 (BBS1). Identifiers: MedGen C2936862, MONDO:0008854, OMIM 209900. Disease mechanism: loss of function.

Submission:

Myriad Genetics, Inc.
Classification: Likely pathogenic for Bardet-Biedl syndrome 1. Last evaluated: 2022-02-02. Review status: criteria provided, single submitter. Criteria: Myriad Women's Health Autosomal Recessive and X-Linked Classification Criteria (2021). Collection method: clinical testing. Allele origin: unknown.
Comment: NM_024649.4(BBS1):c.966G>A(W322*) is expected to be pathogenic in the context of Bardet-Biedl syndrome, BBS1-related. This variant is predicted to lead to an abnormal or absent protein product due to the creation of a premature termination codon in BBS1, a gene where loss-of-function variants are known to be pathogenic. Please note: this variant was assessed in the context of healthy population screening.